The following is an entry in ClinVar:

NM_021625.5(TRPV4):c.573dup (p.Lys192fs)

Gene: TRPV4 (transient receptor potential cation channel subfamily V member 4; minus strand). Cytogenetic location: 12q24.11.
Variant type: Duplication.
Coding change: c.573dup on transcript NM_021625.5 (MANE Select); coding-DNA position 573, one base duplicated (G; older notation c.573dupG).
Protein change: p.Lys192fs; shifts the reading frame from lysine 192.
Molecular consequence: frameshift variant.
Genome position (GRCh38, 1-based): chr12:109,803,130, C duplicated on the plus strand (G on the coding strand, the reverse complement: TRPV4 is on the minus strand); the first of 4 consecutive C bases (chr12:109,803,130-109,803,133); duplicating any one gives the same sequence. VCF-style (leftmost placement, unchanged base first): chr12-109803129-T-TC. GRCh37 (hg19) VCF-style: chr12-110240934-T-TC.
Other names: c.570dup, p.Lys192Glufs (NM_001177428.2, NM_001177433.2, NM_147204.3); c.468dup, p.Lys158Glufs (NM_001177431.2); short protein forms K158fs, K192fs.
Identifiers: ClinVar variation 1043371 (VCV001043371.6), dbSNP rs1890915679, ClinGen allele CA2062577837.
Genomic context (GRCh38, chr12:109,803,129, plus strand): 5'-CAGGGATGGTGTCGTTGCGGCCATTGCTCAGGTTCAGCAAGGCCTTGGGCAGGCAGGTCT[T>TC]CCCCGTAGATGGCTCTAGCAAGAGAGACACACAAGATGACGCAGTGCTCCAGCCCATGAC-3'

ClinVar aggregate classification (germline): Uncertain significance (1 of 4 stars; one submission).

Conditions:
Charcot-Marie-Tooth disease axonal type 2C (HMSN2C). Also called: Charcot-Marie-Tooth Disease Type 2, TRPV4-Related (CMT2C); CHARCOT-MARIE-TOOTH DISEASE, AXONAL, AUTOSOMAL DOMINANT, TYPE 2C; Charcot-Marie-Tooth Neuropathy Type 2C. Identifiers: Orphanet 99937, MedGen C1853710, MONDO:0011633, OMIM 606071.

Submission:

Labcorp Genetics (formerly Invitae), Labcorp
Classification: Uncertain significance for Charcot-Marie-Tooth disease axonal type 2C. Last evaluated: 2022-07-19. Review status: criteria provided, single submitter. Criteria: Invitae Variant Classification Sherloc (09022015). Collection method: clinical testing. Allele origin: germline.
Comment: In summary, the available evidence is currently insufficient to determine the role of this variant in disease. Therefore, it has been classified as a Variant of Uncertain Significance. ClinVar contains an entry for this variant (Variation ID: 1043371). This variant has not been reported in the literature in individuals affected with TRPV4-related conditions. This variant is not present in population databases (gnomAD no frequency). This sequence change creates a premature translational stop signal (p.Lys192Glufs*37) in the TRPV4 gene. It is expected to result in an absent or disrupted protein product. However, the current clinical and genetic evidence is not sufficient to establish whether loss-of-function variants in TRPV4 cause disease.